The following is an entry in ClinVar:

NM_002206.3(ITGA7):c.1559dup (p.Thr521fs)

Gene: ITGA7 (integrin subunit alpha 7; minus strand). Cytogenetic location: 12q13.2.
Variant type: Duplication.
Coding change: c.1559dup on transcript NM_002206.3 (MANE Select); coding-DNA position 1559, one base duplicated (C; older notation c.1559dupC).
Protein change: p.Thr521fs; shifts the reading frame from threonine 521.
Molecular consequence: frameshift variant.
Genome position (GRCh38, 1-based): chr12:55,697,224, G duplicated on the plus strand (C on the coding strand, the reverse complement: ITGA7 is on the minus strand); the first of 3 consecutive G bases (chr12:55,697,224-55,697,226); duplicating any one gives the same sequence. VCF-style (leftmost placement, unchanged base first): chr12-55697223-A-AG. GRCh37 (hg19) VCF-style: chr12-56091007-A-AG.
Other names: c.1571dup, p.Thr525fs (NM_001144996.2, NM_001414029.1); c.1280dup, p.Thr428fs (NM_001144997.2); c.1232dup, p.Thr412fs (NM_001367993.1); c.215dup, p.Thr73fs (NM_001367994.1); c.1559dup, p.Thr521fs (NM_001374465.1, NM_001414034.1); c.1691dup, p.Thr565fs (NM_001410977.1); c.1484dup, p.Thr496fs (NM_001414030.1); c.1472dup, p.Thr492fs (NM_001414031.1); and 3 more; short protein forms T412fs, T460fs, T73fs, T428fs, T492fs, T496fs, T521fs, T525fs.
Identifiers: ClinVar variation 3711857 (VCV003711857.2).

ClinVar aggregate classification (germline): Pathogenic (1 of 4 stars; one submission).

Conditions:
Congenital muscular dystrophy due to integrin alpha-7 deficiency. Also called: Congenital muscular dystrophy with integrin alpha-7 deficiency; Muscular dystrophy, congenital, due to ITGA7 deficiency; MYOPATHY, CONGENITAL, DUE TO INTEGRIN ALPHA-7 DEFICIENCY. Identifiers: Orphanet 34520, MedGen C2750786, MONDO:0013177, OMIM 613204.

Submission:

Labcorp Genetics (formerly Invitae), Labcorp
Classification: Pathogenic for Congenital muscular dystrophy due to integrin alpha-7 deficiency. Last evaluated: 2024-02-08. Review status: criteria provided, single submitter. Criteria: Invitae Variant Classification Sherloc (09022015). Collection method: clinical testing. Allele origin: germline.
Comment: This sequence change creates a premature translational stop signal (p.Thr521Tyrfs*29) in the ITGA7 gene. It is expected to result in an absent or disrupted protein product. Loss-of-function variants in ITGA7 are known to be pathogenic (PMID: 9590299). This variant is present in population databases (no rsID available, gnomAD 0.002%). This variant has not been reported in the literature in individuals affected with ITGA7-related conditions. For these reasons, this variant has been classified as Pathogenic.

Literature cited by the submitters: PubMed 9590299.